The following is an entry in ClinVar:

ClinVar aggregate classification (germline): Benign (1 of 4 stars; one submission).

Allele frequency attached by ClinVar (database versions not stated): gnomAD 0.33197 and 0.33289; TOPMed 0.33565; 1000 Genomes Project 0.35923; 1000 Genomes Project 30x 0.36181.
gnomAD v4.1: 50,578 of 151,820 alleles (33%); highest among the groups gnomAD compares: African/African-American, 42%; 8,759 homozygotes.

Submission:

GeneDx
Classification: Benign. Last evaluated: 2018-06-19. Review status: criteria provided, single submitter. Criteria: GeneDx Variant Classification (06012015). Collection method: clinical testing. Allele origin: germline. Affected: yes.
Comment: This variant is considered likely benign or benign based on one or more of the following criteria: it is a conservative change, it occurs at a poorly conserved position in the protein, it is predicted to be benign by multiple in silico algorithms, and/or has population frequency not consistent with disease.

NM_006258.4(PRKG1):c.936-216C>T

Gene: PRKG1 (protein kinase cGMP-dependent 1; plus strand). Cytogenetic location: 10q21.1.
Variant type: single nucleotide variant.
Coding change: c.936-216C>T on transcript NM_006258.4 (MANE Select); 216 bases into the intron before coding-DNA position 936, C replaced by T.
Molecular consequence: intron variant.
Genome position (GRCh38, 1-based): chr10:52,133,624, C>T. VCF-style: chr10-52133624-C-T. GRCh37 (hg19) VCF-style: chr10-53893384-C-T.
Other names: c.891-216C>T (NM_001098512.3).
Identifiers: ClinVar variation 674739 (VCV000674739.1), dbSNP rs34582712, ClinGen allele CA207385005.